The following is an entry in ClinVar:

NM_001113378.2(FANCI):c.748G>T (p.Gly250Cys)

Gene: FANCI (FA complementation group I; plus strand). Cytogenetic location: 15q26.1.
Variant type: single nucleotide variant.
Coding change: c.748G>T on transcript NM_001113378.2 (MANE Select); coding-DNA position 748, G replaced by T.
Protein change: p.Gly250Cys; replaces glycine 250 with cysteine.
Molecular consequence: missense variant.
Genome position (GRCh38, 1-based): chr15:89,264,600, G>T. VCF-style: chr15-89264600-G-T. GRCh37 (hg19) VCF-style: chr15-89807831-G-T.
Other names: c.469G>T, p.Gly157Cys (NM_001376910.1); c.748G>T, p.Gly250Cys (NM_001376911.1, NM_018193.3); short protein forms G157C, G250C.
Identifiers: ClinVar variation 4741448 (VCV004741448.1).

ClinVar aggregate classification (germline): Uncertain significance (1 of 4 stars; one submission).

Conditions:
Fanconi anemia (FA). Also called: Fanconi's anemia. Identifiers: Orphanet 84, MedGen C0015625, MeSH D005199, MONDO:0019391.

Submission:

Labcorp Genetics (formerly Invitae), Labcorp
Classification: Uncertain significance for Fanconi anemia. Last evaluated: 2025-12-20. Review status: criteria provided, single submitter. Criteria: Invitae Variant Classification Sherloc (09022015). Collection method: clinical testing. Allele origin: germline.
Comment: This sequence change replaces glycine, which is neutral and non-polar, with cysteine, which is neutral and slightly polar, at codon 250 of the FANCI protein (p.Gly250Cys). This variant is not present in population databases (gnomAD no frequency). This variant has not been reported in the literature in individuals affected with FANCI-related conditions. Invitae Evidence Modeling of protein sequence and biophysical properties (such as structural, functional, and spatial information, amino acid conservation, physicochemical variation, residue mobility, and thermodynamic stability) indicates that this missense variant is not expected to disrupt FANCI protein function with a negative predictive value of 80%. In summary, the available evidence is currently insufficient to determine the role of this variant in disease. Therefore, it has been classified as a Variant of Uncertain Significance.